The following is an entry in ClinVar:

ClinVar aggregate classification (germline): Likely benign (0 of 4 stars; one submission).

Conditions:
METTL13-related disorder. Also called: METTL13-related condition.

Allele frequency attached by ClinVar (database versions not stated): TOPMed below 0.00001; gnomAD 0.00003; gnomAD exomes 0.00004; ESP Exome Variant Server 0.00008; ExAC 0.00014; 1000 Genomes Project 30x 0.00031; 1000 Genomes Project 0.00040.
gnomAD v4.1: 66 of 1,521,664 alleles (0.0043%); highest among the groups gnomAD compares: Middle Eastern, 0.07%; no homozygotes.

Submission:

PreventionGenetics, part of Exact Sciences
Classification: Likely benign for METTL13-related condition. Last evaluated: 2019-12-30. Review status: no assertion criteria provided. Collection method: clinical testing. Allele origin: germline.
Comment: This variant is classified as likely benign based on ACMG/AMP sequence variant interpretation guidelines (Richards et al. 2015 PMID: 25741868, with internal and published modifications).

NM_015935.5(METTL13):c.1474+9G>C

Gene: METTL13 (methyltransferase 13, eEF1A N-terminus and K55; plus strand). Cytogenetic location: 1q24.3.
Variant type: single nucleotide variant.
Coding change: c.1474+9G>C on transcript NM_015935.5 (MANE Select); 9 bases into the intron after coding-DNA position 1474, G replaced by C.
Molecular consequence: intron variant.
Genome position (GRCh38, 1-based): chr1:171,790,625, G>C. VCF-style: chr1-171790625-G-C. GRCh37 (hg19) VCF-style: chr1-171759765-G-C.
Other names: c.1006+9G>C (NM_001007239.2); c.1216+9G>C (NM_014955.3).
Identifiers: ClinVar variation 3037309 (VCV003037309.2), dbSNP rs200895209, ClinGen allele CA1244884.
Genomic context (GRCh38, chr1:171,790,625, plus strand): 5'-AAAGCCATGATCGCTGGCCTTGCCCTGCTGAGAAACCCAGAGCTACTCCTAGGTGAGAGA[G>C]ATGCCACTGCCTTCCACAGAAGGGAGCATAAAGATTACAGACCTAAACAATTGGTGTCAC-3'